The following is an entry in ClinVar:

ClinVar aggregate classification (germline): Uncertain significance. Review status: criteria provided, multiple submitters, no conflicts (2 of 4 stars). 7 submissions from 7 submitters: Uncertain significance (7). Last evaluated 2025-12-30.

Conditions:
Familial melanoma. Also called: Hereditary melanoma; Hereditary cutaneous melanoma. Identifiers: Orphanet 618, MedGen C1512419, MONDO:0018961.
Hereditary cancer-predisposing syndrome. Also called: Hereditary neoplastic syndrome; Tumor predisposition; Neoplastic Syndromes, Hereditary; Hereditary Cancer Syndrome. Identifiers: Orphanet 140162, MedGen C0027672, MeSH D009386, MONDO:0015356.
Melanoma and neural system tumor syndrome. Also called: MELANOMA-ASTROCYTOMA SYNDROME. Identifiers: Orphanet 252206, MedGen C1835042, MONDO:0007967, OMIM 155755.

Allele frequency attached by ClinVar (database versions not stated): gnomAD 0.00001.
gnomAD v4.1: 5 of 1,604,348 alleles (0.00031%); highest among the groups gnomAD compares: East Asian, 0.0067%; no homozygotes.

Submissions (7):

Labcorp Genetics (formerly Invitae), Labcorp
Classification: Uncertain significance for Familial melanoma. Last evaluated: 2025-12-30. Review status: criteria provided, single submitter. Criteria: Invitae Variant Classification Sherloc (09022015). Collection method: clinical testing. Allele origin: germline.
Comment: The CDKN2A gene encodes two different proteins, p16INK4a and p14ARF, which are translated from alternative transcripts with different open reading frames. Both transcripts have been analyzed. We report either the variant with the higher classification or default to the CDKN2A (p16INK4a) variant. This report therefore includes the details for the CDKN2A (p16INK4a) variant. This sequence change replaces alanine, which is neutral and non-polar, with serine, which is neutral and polar, at codon 85 of the CDKN2A (p16INK4a) protein (p.Ala85Ser). The frequency data for this variant in the population databases is considered unreliable, as metrics indicate poor data quality at this position in the gnomAD database. This variant has not been reported in the literature in individuals affected with CDKN2A (p16INK4a)-related conditions. This variant is also known as c.296G>T (p.Arg99Leu) in the CDKN2A (p14ARF) transcript. ClinVar contains an entry for this variant (Variation ID: 532289). An algorithm developed to predict the effect of missense changes on protein structure and function (PolyPhen-2) suggests that this variant is likely to be disruptive. In summary, the available evidence is currently insufficient to determine the role of this variant in disease. Therefore, it has been classified as a Variant of Uncertain Significance.

Ambry Genetics
Classification: Uncertain significance for Hereditary cancer-predisposing syndrome. Last evaluated: 2024-10-04. Review status: criteria provided, single submitter. Criteria: Ambry Variant Classification Scheme 2023. Collection method: clinical testing. Allele origin: germline.
Comment: The p.A85S variant (also known as c.253G>T), located in coding exon 2 of the CDKN2A gene, results from a G to T substitution at nucleotide position 253. The alanine at codon 85 is replaced by serine, an amino acid with similar properties. This amino acid position is highly conserved in available vertebrate species. In addition, this alteration is predicted to be deleterious by in silico analysis. Based on the available evidence, the clinical significance of this variant remains unclear.

Blueprint Genetics
Classification: Uncertain significance. Last evaluated: 2024-02-19. Review status: criteria provided, single submitter. Criteria: ACMG Guidelines, 2015. Collection method: clinical testing. Allele origin: germline.

Baylor Genetics
Classification: Uncertain significance for Melanoma and neural system tumor syndrome. Last evaluated: 2023-08-12. Review status: criteria provided, single submitter. Criteria: ACMG Guidelines, 2015. Collection method: clinical testing. Allele origin: unknown.

Women's Health and Genetics/Laboratory Corporation of America, LabCorp
Classification: Uncertain significance. Last evaluated: 2023-01-23. Review status: criteria provided, single submitter. Criteria: LabCorp Variant Classification Summary - May 2015. Collection method: clinical testing. Allele origin: germline.
Comment: Variant summary: CDKN2A c.253G>T (p.Ala85Ser) results in a conservative amino acid change located in the ankyrin repeat-containing domain (IPR036770) of the encoded protein sequence. Four of five in-silico tools predict a damaging effect of the variant on protein function. The variant allele was found at a frequency of 4.3e-06 in 231476 control chromosomes. The available data on variant occurrences in the general population are insufficient to allow any conclusion about variant significance. To our knowledge, no occurrence of c.253G>T in individuals affected with Cutaneous Malignant Melanoma and no experimental evidence demonstrating its impact on protein function have been reported. Three clinical diagnostic laboratories have submitted clinical-significance assessments for this variant to ClinVar after 2014, and all laboratories classified the variant as uncertain significance. Additionally, variants occurring at the same nucleotide (c.253G>A, p.Ala85Thr and c.253G>C, p.Ala85Pro) and within the same codon (c.254C>T, p.Ala85Val) have all been reported as uncertain significance in ClinVar. Based on the evidence outlined above, the variant was classified as uncertain significance.

GeneDx
Classification: Uncertain significance. Last evaluated: 2022-09-15. Review status: criteria provided, single submitter. Criteria: GeneDx Variant Classification Process June 2021. Collection method: clinical testing. Allele origin: germline. Affected: yes.
Comment: Not observed at significant frequency in large population cohorts (gnomAD); In silico analysis supports that this missense variant has a deleterious effect on protein structure/function; Has not been previously published as pathogenic or benign to our knowledge

Color Diagnostics, LLC DBA Color Health
Classification: Uncertain significance for Hereditary cancer-predisposing syndrome. Last evaluated: 2021-06-08. Review status: criteria provided, single submitter. Criteria: ACMG Guidelines, 2015. Collection method: clinical testing. Allele origin: germline.
Comment: This missense variant replaces alanine with serine at codon 85 of the CDKN2A protein (p16INK4A). Computational prediction suggests that this variant may have deleterious impact on protein structure and function (internally defined REVEL score threshold >= 0.7, PMID: 27666373). Splice site prediction tools suggest that this variant may not impact RNA splicing. To our knowledge, functional studies have not been performed for this variant. This variant has not been reported in individuals affected with hereditary cancer in the literature. This variant has been identified in 1/231476 chromosomes in the general population by the Genome Aggregation Database (gnomAD). The available evidence is insufficient to determine the role of this variant in disease conclusively. Therefore, this variant is classified as a Variant of Uncertain Significance.

Literature cited by the submitters: PubMed 27756164 (cited by Women's Health and Genetics/Laboratory Corporation of America, LabCorp); PubMed 27960642 (cited by Women's Health and Genetics/Laboratory Corporation of America, LabCorp); PubMed 28765326 (cited by Women's Health and Genetics/Laboratory Corporation of America, LabCorp); PubMed 9166859 (cited by Women's Health and Genetics/Laboratory Corporation of America, LabCorp); PubMed 16818274 (cited by Women's Health and Genetics/Laboratory Corporation of America, LabCorp); PubMed 18519632 (cited by Women's Health and Genetics/Laboratory Corporation of America, LabCorp); PubMed 7718873 (cited by Women's Health and Genetics/Laboratory Corporation of America, LabCorp).

NM_000077.5(CDKN2A):c.253G>T (p.Ala85Ser)

Gene: CDKN2A (cyclin dependent kinase inhibitor 2A; minus strand). Cytogenetic location: 9p21.3.
Variant type: single nucleotide variant.
Coding change: c.253G>T on transcript NM_000077.5; coding-DNA position 253, G replaced by T.
Protein change: p.Ala85Ser; replaces alanine 85 with serine.
Molecular consequence: missense variant (on NM_000077.6). On other transcripts: 3 prime UTR variant (1).
Genome position (GRCh38, 1-based): chr9:21,971,106, C>A on the plus strand (G>T on the coding strand, the complement: CDKN2A is on the minus strand). VCF-style: chr9-21971106-C-A. GRCh37 (hg19) VCF-style: chr9-21971105-C-A.
Other names: c.253G>T, p.Ala85Ser (NM_000077.6, NM_001195132.2); c.100G>T, p.Ala34Ser (NM_001363763.2); c.296G>T, p.Arg99Leu (NM_058195.4); c.*176G>T (NM_058197.5); short protein forms A85S, R99L, A34S.
Identifiers: ClinVar variation 532289 (VCV000532289.25), dbSNP rs878853646, ClinGen allele CA373086226.